The following is an entry in ClinVar:

NM_005546.4(ITK):c.973C>T (p.His325Tyr)

Gene: ITK (IL2 inducible T cell kinase; plus strand). Cytogenetic location: 5q33.3.
Variant type: single nucleotide variant.
Coding change: c.973C>T on transcript NM_005546.4 (MANE Select); coding-DNA position 973, C replaced by T.
Protein change: p.His325Tyr; replaces histidine 325 with tyrosine.
Molecular consequence: missense variant.
Genome position (GRCh38, 1-based): chr5:157,240,183, C>T. VCF-style: chr5-157240183-C-T. GRCh37 (hg19) VCF-style: chr5-156667193-C-T.
Other names: short protein forms H325Y.
Identifiers: ClinVar variation 4743933 (VCV004743933.1).

ClinVar aggregate classification (germline): Uncertain significance (1 of 4 stars; one submission).

Conditions:
Lymphoproliferative syndrome 1 (LPFS1). Identifiers: Orphanet 238505, Orphanet 538963, MedGen C3552634, MONDO:0013081, OMIM 613011.

Submission:

Labcorp Genetics (formerly Invitae), Labcorp
Classification: Uncertain significance for Lymphoproliferative syndrome 1. Last evaluated: 2025-04-16. Review status: criteria provided, single submitter. Criteria: Invitae Variant Classification Sherloc (09022015). Collection method: clinical testing. Allele origin: germline.
Comment: This sequence change replaces histidine, which is basic and polar, with tyrosine, which is neutral and polar, at codon 325 of the ITK protein (p.His325Tyr). This variant is not present in population databases (gnomAD no frequency). This variant has not been reported in the literature in individuals affected with ITK-related conditions. Invitae Evidence Modeling of protein sequence and biophysical properties (such as structural, functional, and spatial information, amino acid conservation, physicochemical variation, residue mobility, and thermodynamic stability) indicates that this missense variant is not expected to disrupt ITK protein function with a negative predictive value of 80%. In summary, the available evidence is currently insufficient to determine the role of this variant in disease. Therefore, it has been classified as a Variant of Uncertain Significance.